The following is an entry in ClinVar:

ClinVar aggregate classification (germline): Conflicting classifications of pathogenicity. Review status: criteria provided, conflicting classifications (1 of 4 stars). 2 submissions from 2 submitters: Uncertain significance (1); Likely benign (1). Last evaluated 2025-04-03.

Conditions:
Inborn genetic diseases. Identifiers: MedGen C0950123, MeSH D030342.
Metachromatic leukodystrophy (MLD). Also called: Cerebral sclerosis diffuse metachromatic form; ARSA DEFICIENCY; CEREBROSIDE SULFATASE DEFICIENCY; Arylsulfatase A Deficiency; METACHROMATIC LEUKOENCEPHALOPATHY; SULFATIDE LIPIDOSIS. Identifiers: Orphanet 512, MedGen C0023522, MONDO:0018868, OMIM 250100.

Allele frequency attached by ClinVar (database versions not stated): TOPMed below 0.00001; gnomAD exomes 0.00001.

Submissions (2):

Ambry Genetics
Classification: Likely benign for Inborn genetic diseases. Last evaluated: 2025-04-03. Review status: criteria provided, single submitter. Criteria: Ambry Variant Classification Scheme 2023. Collection method: clinical testing. Allele origin: germline.

Labcorp Genetics (formerly Invitae), Labcorp
Classification: Uncertain significance for Metachromatic leukodystrophy. Last evaluated: 2022-08-23. Review status: criteria provided, single submitter. Criteria: Invitae Variant Classification Sherloc (09022015). Collection method: clinical testing. Allele origin: germline.
Comment: This sequence change replaces valine, which is neutral and non-polar, with alanine, which is neutral and non-polar, at codon 19 of the ARSA protein (p.Val19Ala). This variant is present in population databases (no rsID available, gnomAD 0.008%). This variant has not been reported in the literature in individuals affected with ARSA-related conditions. ClinVar contains an entry for this variant (Variation ID: 1421815). Algorithms developed to predict the effect of missense changes on protein structure and function output the following: SIFT: "Tolerated"; PolyPhen-2: "Benign"; Align-GVGD: "Class C0". The alanine amino acid residue is found in multiple mammalian species, which suggests that this missense change does not adversely affect protein function. In summary, the available evidence is currently insufficient to determine the role of this variant in disease. Therefore, it has been classified as a Variant of Uncertain Significance.

NM_000487.6(ARSA):c.56T>C (p.Val19Ala)

Gene: ARSA (arylsulfatase A; minus strand). Cytogenetic location: 22q13.33.
Variant type: single nucleotide variant.
Coding change: c.56T>C on transcript NM_000487.6 (MANE Select); coding-DNA position 56, T replaced by C.
Protein change: p.Val19Ala; replaces valine 19 with alanine.
Molecular consequence: missense variant. On other transcripts: intron variant (2).
Genome position (GRCh38, 1-based): chr22:50,627,724, A>G on the plus strand (T>C on the coding strand, the complement: ARSA is on the minus strand). VCF-style: chr22-50627724-A-G. GRCh37 (hg19) VCF-style: chr22-51066152-A-G.
Other names: c.56T>C, p.Val19Ala (NM_001085425.3, NM_001085426.3, NM_001085427.3); c.-35+267T>C (NM_001362782.2); c.-35+222T>C (NM_001085428.3); short protein forms V19A.
Identifiers: ClinVar variation 1421815 (VCV001421815.6), dbSNP rs1235007867, ClinGen allele CA412183565.